The following is an entry in ClinVar:

NM_002528.7(NTHL1):c.542del (p.Ile181fs)

Gene: NTHL1 (nth like DNA glycosylase 1; minus strand). Cytogenetic location: 16p13.3.
Variant type: Deletion.
Coding change: c.542del on transcript NM_002528.7 (MANE Select); coding-DNA position 542, one base deleted (T; older notation c.542delT).
Protein change: p.Ile181fs; shifts the reading frame from isoleucine 181.
Molecular consequence: frameshift variant.
Genome position (GRCh38, 1-based): chr16:2,043,710, A deleted on the plus strand (T on the coding strand, the reverse complement: NTHL1 is on the minus strand). VCF-style (leftmost placement, unchanged base first): chr16-2043709-GA-G. GRCh37 (hg19) VCF-style: chr16-2093710-GA-G.
Other names: c.371del, p.Ile124fs (NM_001318193.2); c.212del, p.Ile71fs (NM_001318194.2); c.566delT (NM_002528.5); short protein forms I124fs, I181fs, I71fs.
Identifiers: ClinVar variation 2673821 (VCV002673821.2), dbSNP rs2548315247, ClinGen allele CA2695197421.

ClinVar aggregate classification (germline): Pathogenic. Review status: criteria provided, multiple submitters, no conflicts (2 of 4 stars). 2 submissions from 2 submitters: Pathogenic (2). Last evaluated 2025-02-27.

Conditions:
Familial adenomatous polyposis 3. Also called: NTHL1-Related Adenomatous Polyposis and Colorectal Cancer; NTHL1 Tumor Syndrome; NTHL1-related attenuated familial adenomatous polyposis; NTHL1-associated polyposis. Identifiers: Orphanet 220460, Orphanet 454840, MedGen C4225157, MONDO:0014630, OMIM 616415.
Hereditary cancer-predisposing syndrome. Also called: Neoplastic Syndromes, Hereditary; Tumor predisposition; Hereditary Cancer Syndrome; Hereditary neoplastic syndrome. Identifiers: Orphanet 140162, MedGen C0027672, MeSH D009386, MONDO:0015356.

Submissions (2):

Ambry Genetics
Classification: Pathogenic for Hereditary cancer-predisposing syndrome. Last evaluated: 2025-02-27. Review status: criteria provided, single submitter. Criteria: Ambry Variant Classification Scheme 2023. Collection method: clinical testing. Allele origin: germline.
Comment: The c.566delT pathogenic mutation, located in coding exon 4 of the NTHL1 gene, results from a deletion of one nucleotide at nucleotide position 566, causing a translational frameshift with a predicted alternate stop codon (p.I189Tfs*61). This variant is considered to be rare based on population cohorts in the Genome Aggregation Database (gnomAD). This alteration is expected to result in loss of function by premature protein truncation or nonsense-mediated mRNA decay. As such, this alteration is interpreted as a disease-causing mutation.

Myriad Genetics, Inc.
Classification: Pathogenic for Familial adenomatous polyposis 3. Last evaluated: 2023-08-03. Review status: criteria provided, single submitter. Criteria: Myriad Autosomal Dominant, Autosomal Recessive and X-Linked Classification Criteria (2023). Collection method: clinical testing. Allele origin: unknown.
Comment: This variant is considered pathogenic. This variant creates a frameshift predicted to result in premature protein truncation.